The following is an entry in ClinVar:

ClinVar aggregate classification (germline): Uncertain significance (1 of 4 stars; one submission).

Allele frequency attached by ClinVar (database versions not stated): gnomAD exomes below 0.00001.
gnomAD v4.1: 2 of 1,613,484 alleles (0.00012%); highest among the groups gnomAD compares: Non-Finnish European, 0.00017%; no homozygotes.

Submission:

GeneDx
Classification: Uncertain significance. Last evaluated: 2021-12-22. Review status: criteria provided, single submitter. Criteria: GeneDx Variant Classification Process June 2021. Collection method: clinical testing. Allele origin: germline. Affected: yes.
Comment: In silico analysis supports that this missense variant has a deleterious effect on protein structure/function; Has not been previously published as pathogenic or benign to our knowledge

NM_001205293.3(CACNA1E):c.6688G>A (p.Glu2230Lys)

Gene: CACNA1E (calcium voltage-gated channel subunit alpha1 E; plus strand). Cytogenetic location: 1q25.3.
Variant type: single nucleotide variant.
Coding change: c.6688G>A on transcript NM_001205293.3 (MANE Select); coding-DNA position 6688, G replaced by A.
Protein change: p.Glu2230Lys; replaces glutamic acid 2230 with lysine.
Molecular consequence: missense variant.
Genome position (GRCh38, 1-based): chr1:181,798,580, G>A. VCF-style: chr1-181798580-G-A. GRCh37 (hg19) VCF-style: chr1-181767716-G-A.
Other names: c.6559G>A, p.Glu2187Lys (NM_000721.4); c.6502G>A, p.Glu2168Lys (NM_001205294.2); short protein forms E2168K, E2187K, E2230K.
Identifiers: ClinVar variation 1693042 (VCV001693042.2), dbSNP rs1005165258, ClinGen allele CA34197644.
Genomic context (GRCh38, chr1:181,798,580, plus strand): 5'-TCTTCCAACTCTCCGCACCCCCAGCAGAGCCAACATGCCTCCCCACAGCGCTACATCTCC[G>A]AGCCCTACTTGGCCCTGCACGAAGACTCCCACGCCTCAGACTGTGGTGAGGAGGAGACGC-3'
Protein context (NP_001192222.1, residues 2220-2240): QHASPQRYIS[Glu2230Lys]PYLALHEDSH